The following is an entry in ClinVar:

NM_000823.4(GHRHR):c.975-9T>C

Gene: GHRHR (growth hormone releasing hormone receptor; plus strand). Cytogenetic location: 7p14.3.
Variant type: single nucleotide variant.
Coding change: c.975-9T>C on transcript NM_000823.4 (MANE Select); 9 bases into the intron before coding-DNA position 975, T replaced by C.
Molecular consequence: intron variant.
Genome position (GRCh38, 1-based): chr7:30,976,420, T>C. VCF-style: chr7-30976420-T-C. GRCh37 (hg19) VCF-style: chr7-31016035-T-C.
Other names: c.975-9T>C (NM_000823.3).
Identifiers: ClinVar variation 1557108 (VCV001557108.13), dbSNP rs549927188, ClinGen allele CA4208751.

ClinVar aggregate classification (germline): Likely benign. Review status: criteria provided, multiple submitters, no conflicts (2 of 4 stars). 4 submissions from 4 submitters: Likely benign (3). 1 of the submissions does not count toward it. Last evaluated 2025-01-20.

Conditions:
GHRHR-related disorder. Also called: GHRHR-related condition.

Allele frequency attached by ClinVar (database versions not stated): gnomAD exomes 0.00001 and 0.00004; TOPMed 0.00001; gnomAD 0.00002; ExAC 0.00003; 1000 Genomes Project 30x 0.00031; 1000 Genomes Project 0.00040.
gnomAD v4.1: 26 of 1,612,846 alleles (0.0016%); highest among the groups gnomAD compares: East Asian, 0.04%; no homozygotes.

Submissions (4):

Women's Health and Genetics/Laboratory Corporation of America, LabCorp
Classification: Likely benign. Last evaluated: 2025-01-20. Review status: criteria provided, single submitter. Criteria: LabCorp Variant Classification Summary - May 2015. Collection method: clinical testing. Allele origin: germline.

Labcorp Genetics (formerly Invitae), Labcorp
Classification: Likely benign. Last evaluated: 2024-10-17. Review status: criteria provided, single submitter. Criteria: Invitae Variant Classification Sherloc (09022015). Collection method: clinical testing. Allele origin: germline.

Blueprint Genetics
Classification: Likely benign. Last evaluated: 2023-04-19. Review status: criteria provided, single submitter. Criteria: ACMG Guidelines, 2015. Collection method: clinical testing. Allele origin: germline.

PreventionGenetics, part of Exact Sciences
Classification: Likely benign for GHRHR-related condition. Last evaluated: 2019-08-20. Review status: no assertion criteria provided. Collection method: clinical testing. Allele origin: germline. Not counted in ClinVar's aggregate classification.
Comment: This variant is classified as likely benign based on ACMG/AMP sequence variant interpretation guidelines (Richards et al. 2015 PMID: 25741868, with internal and published modifications).